The following is an entry in ClinVar:

NM_175914.5(HNF4A):c.407C>T (p.Ala136Val)

Gene: HNF4A (hepatocyte nuclear factor 4 alpha; plus strand). Cytogenetic location: 20q13.12.
Variant type: single nucleotide variant.
Coding change: c.407C>T on transcript NM_175914.5 (MANE Select); coding-DNA position 407, C replaced by T.
Protein change: p.Ala136Val; replaces alanine 136 with valine.
Molecular consequence: missense variant.
Genome position (GRCh38, 1-based): chr20:44,413,781, C>T. VCF-style: chr20-44413781-C-T. GRCh37 (hg19) VCF-style: chr20-43042421-C-T.
Other names: NM_175914.5(HNF4A):c.407C>T; p.Ala136Val; c.473C>T, p.Ala158Val (NM_000457.6, NM_178849.3, NM_178850.3); c.407C>T, p.Ala136Val (NM_001030003.3, NM_001030004.3); c.452C>T, p.Ala151Val (NM_001258355.2); c.398C>T, p.Ala133Val (NM_001287182.2, NM_001287183.2, NM_001287184.2); short protein forms A133V, A136V, A151V, A158V.
Identifiers: ClinVar variation 1723210 (VCV001723210.5), dbSNP rs754143633, ClinGen allele CA9870242.

ClinVar aggregate classification (germline): Uncertain significance. Review status: reviewed by expert panel (3 of 4 stars). 4 submissions from 4 submitters: Uncertain significance (1). 3 of the submissions do not count toward it. Last evaluated 2025-09-17.

Conditions:
Monogenic diabetes. Identifiers: Orphanet 183625, MedGen C3888631, MONDO:0015967.
HNF4A-related disorder. Also called: HNF4A-related condition.
Maturity-onset diabetes of the young type 1. Also called: MILD JUVENILE DIABETES MELLITUS; MODY, type I; MODY type 1; Diabetes mellitus MODY type 1; MODY HNF4A related; HNF4A-Related Maturity-Onset Diabetes of the Young Type 1. Identifiers: Orphanet 552, MedGen C1852093, MONDO:0007452, OMIM 125850. Disease mechanism: loss of function.

Allele frequency attached by ClinVar (database versions not stated): gnomAD 0.00001; gnomAD exomes 0.00001; ExAC 0.00004.

Submissions (4):

ClinGen Monogenic Diabetes Variant Curation Expert Panel
Classification: Uncertain significance for Monogenic diabetes. Last evaluated: 2025-09-17. Review status: reviewed by expert panel. Criteria: ClinGen Diabetes ACMG Specifications HNF4A V3.0.0. Collection method: curation. Allele origin: germline. Inheritance: Autosomal dominant inheritance.
Comment: The c.407C>T variant in the hepatocyte nuclear factor 4-alpha gene, HNF4A, causes an amino acid change of alanine to valine at codon 136 (p.(Ala136Val)) of NM_175914.5. This variant is predicted to be deleterious by computational evidence, with a REVEL score of 0.823, which is greater than the MDEP VCEP threshold of 0.70 (PP3). This variant has a Grpmax filtering allele frequency of 0.00000954 in gnomAD v4.1.0, which falls between ClinGen MDEP-established cutoffs for PM2_Supporting and BS1; thus, neither criterion will be applied. This variant was identified in five unrelated individuals with non- autoimmune and non-absolute/near-absolute insulin-deficient diabetes; however, PS4_Moderate cannot be applied because the variant does not meet the PM2_Supporting cutoff (PMID: 24097065, 38054414; ClinVar SCV002600226.1; internal lab contributors). One of these individuals did have a clinical history highly specific for HNF4A-MODY (MODY probability calculator result >50% and negative genetic testing for HNF1A) (PP4; internal lab contributors). This variant segregated with diabetes one informative meiosis in a single family; however, this does not meet the thresholds for PP1 set by the ClinGen MDEP (PMID: 27236918, internal lab contributors). In summary, c.407C>T meets the criteria to be classified as likely benign for monogenic diabetes. ACMG/AMP criteria applied, as specified by the ClinGen MDEP (specification version 3.0.0, approved 6/30/2025): BS2, PP3, PP4.

Labcorp Genetics (formerly Invitae), Labcorp
Classification: Uncertain significance. Last evaluated: 2023-04-11. Review status: criteria provided, single submitter. Criteria: Invitae Variant Classification Sherloc (09022015). Collection method: clinical testing. Allele origin: germline. Not counted in ClinVar's aggregate classification.
Comment: This sequence change replaces alanine, which is neutral and non-polar, with valine, which is neutral and non-polar, at codon 136 of the HNF4A protein (p.Ala136Val). In summary, the available evidence is currently insufficient to determine the role of this variant in disease. Therefore, it has been classified as a Variant of Uncertain Significance. Advanced modeling of protein sequence and biophysical properties (such as structural, functional, and spatial information, amino acid conservation, physicochemical variation, residue mobility, and thermodynamic stability) has been performed at Invitae for this missense variant, however the output from this modeling did not meet the statistical confidence thresholds required to predict the impact of this variant on HNF4A protein function. ClinVar contains an entry for this variant (Variation ID: 1723210). This missense change has been observed in individual(s) with maturity-onset diabetes of the young (PMID: 24097065). This variant is present in population databases (rs754143633, gnomAD 0.005%).

Institute of Medical Genetics and Applied Genomics, University Hospital Tübingen
Classification: Uncertain significance for Maturity-onset diabetes of the young type 1. Last evaluated: 2022-11-14. Review status: criteria provided, single submitter. Criteria: ACMG Guidelines, 2015. Collection method: clinical testing. Allele origin: germline. Inheritance: Autosomal dominant inheritance. Affected: yes. Not counted in ClinVar's aggregate classification.

PreventionGenetics, part of Exact Sciences
Classification: Uncertain significance for HNF4A-related condition. Last evaluated: 2024-06-12. Review status: no assertion criteria provided. Collection method: clinical testing. Allele origin: germline. Not counted in ClinVar's aggregate classification.
Comment: The HNF4A c.407C>T variant is predicted to result in the amino acid substitution p.Ala136Val. This variant is alternatively referred to as c.473C>T (p.Ala158Val) using NM_000457 in the literature. This variant has been reported in individuals with maturity-onset diabetes of the young (MODY; Supplementary Table 4, Flannick et al. 2013. PubMed ID: 24097065; Şimşek et al. 2023. PubMed ID: 38054414). This variant is also observed in self-declared healthy adults in a cohort study for the burden of candidate pathogenic variants for kidney and genitourinary disorders (Supplement 4, Rasouly et al. 2018. PubMed ID: 30476936). This variant is reported in 0.0044% of alleles in individuals of European (non-Finnish) descent in gnomAD. At this time, the clinical significance of this variant is uncertain due to the absence of conclusive functional and genetic evidence.

Literature cited by the submitters: PubMed 24097065 (cited by ClinGen Monogenic Diabetes Variant Curation Expert Panel and Labcorp Genetics (formerly Invitae), Labcorp); PubMed 38054414 (cited by ClinGen Monogenic Diabetes Variant Curation Expert Panel); PubMed 27236918 (cited by ClinGen Monogenic Diabetes Variant Curation Expert Panel).